The following is an entry in ClinVar:

NM_001267550.2(TTN):c.105865A>G (p.Thr35289Ala)

Genes: TTN (titin; minus strand), TTN-AS1 (TTN antisense RNA 1; plus strand), LOC129935183 (ATAC-STARR-seq lymphoblastoid active region 16808; plus strand). Cytogenetic location: 2q31.2.
Variant type: single nucleotide variant.
Coding change: c.105865A>G on transcript NM_001267550.2 (MANE Select); coding-DNA position 105865, A replaced by G.
Protein change: p.Thr35289Ala; replaces threonine 35289 with alanine.
Molecular consequence: missense variant.
Genome position (GRCh38, 1-based): chr2:178,530,750, T>C on the plus strand (A>G on the coding strand, the complement: TTN is on the minus strand). VCF-style: chr2-178530750-T-C. GRCh37 (hg19) VCF-style: chr2-179395477-T-C.
Other names: c.100942A>G, p.Thr33648Ala (NM_001256850.1); c.78670A>G, p.Thr26224Ala (NM_003319.4); c.98161A>G, p.Thr32721Ala (NM_133378.4); c.79045A>G, p.Thr26349Ala (NM_133432.3); c.79246A>G, p.Thr26416Ala (NM_133437.4); short protein forms T26224A, T26349A, T26416A, T32721A, T33648A, T35289A.
Identifiers: ClinVar variation 1807521 (VCV001807521.4), dbSNP rs1381430946, ClinGen allele CA349407584.

ClinVar aggregate classification (germline): Uncertain significance. Review status: criteria provided, multiple submitters, no conflicts (2 of 4 stars). 2 submissions from 2 submitters: Uncertain significance (2). Last evaluated 2023-03-17.

Conditions:
Dilated cardiomyopathy 1G (CMD1G). Identifiers: Orphanet 154, MedGen C1858763, MONDO:0011400, OMIM 604145.
Autosomal recessive limb-girdle muscular dystrophy type 2J (LGMDR10). Also called: MUSCULAR DYSTROPHY, LIMB-GIRDLE, AUTOSOMAL RECESSIVE 10; Limb-girdle muscular dystrophy, type 2J. Identifiers: Orphanet 140922, MedGen C1837342, MONDO:0012127, OMIM 608807.

Allele frequency attached by ClinVar (database versions not stated): gnomAD exomes below 0.00001.
gnomAD v4.1: 2 of 1,613,796 alleles (0.00012%); highest among the groups gnomAD compares: Admixed American, 0.0033%; no homozygotes.

Submissions (2):

Labcorp Genetics (formerly Invitae), Labcorp
Classification: Uncertain significance for Dilated cardiomyopathy 1G; Autosomal recessive limb-girdle muscular dystrophy type 2J. Last evaluated: 2023-03-17. Review status: criteria provided, single submitter. Criteria: Invitae Variant Classification Sherloc (09022015). Collection method: clinical testing. Allele origin: germline.
Comment: This sequence change replaces threonine, which is neutral and polar, with alanine, which is neutral and non-polar, at codon 35289 of the TTN protein (p.Thr35289Ala). This variant is present in population databases (no rsID available, gnomAD 0.006%). This variant has not been reported in the literature in individuals affected with TTN-related conditions. ClinVar contains an entry for this variant (Variation ID: 1807521). Experimental studies and prediction algorithms are not available or were not evaluated, and the functional significance of this variant is currently unknown. In summary, the available evidence is currently insufficient to determine the role of this variant in disease. Therefore, it has been classified as a Variant of Uncertain Significance.

Athena Diagnostics
Classification: Uncertain significance. Last evaluated: 2022-09-08. Review status: criteria provided, single submitter. Criteria: Athena Diagnostics Criteria. Collection method: clinical testing. Allele origin: unknown.